The following is an entry in ClinVar:

ClinVar aggregate classification (germline): Uncertain significance (1 of 4 stars; one submission).

Conditions:
Familial hypobetalipoproteinemia 1. Also called: Hypobetalipoproteinemia, normotriglyceridemic; Acanthocytosis with hypobetalipoproteinemia; APOB-Related Familial Hypobetalipoproteinemia. Identifiers: MedGen C4551990, MONDO:0014252, OMIM 615558.
Hypercholesterolemia, autosomal dominant, type B (FHCL2). Also called: Familial hypercholesterolemia 2; APOB-Related Familial Hypercholesterolemia, Autosomal Dominant; Familial Hypercholesterolemia Type B; APOLIPOPROTEIN B-100, FAMILIAL DEFECTIVE; APOLIPOPROTEIN B-100, FAMILIAL LIGAND-DEFECTIVE; HYPERCHOLESTEROLEMIA, FAMILIAL, DUE TO LIGAND-DEFECTIVE APOLIPOPROTEIN B. Identifiers: MedGen C1704417, MONDO:0007751, OMIM 144010.

Submission:

Labcorp Genetics (formerly Invitae), Labcorp
Classification: Uncertain significance for Familial hypobetalipoproteinemia 1; Hypercholesterolemia, autosomal dominant, type B. Last evaluated: 2021-11-15. Review status: criteria provided, single submitter. Criteria: Invitae Variant Classification Sherloc (09022015). Collection method: clinical testing. Allele origin: germline.
Comment: In summary, the available evidence is currently insufficient to determine the role of this variant in disease. Therefore, it has been classified as a Variant of Uncertain Significance. Algorithms developed to predict the effect of missense changes on protein structure and function (SIFT, PolyPhen-2, Align-GVGD) all suggest that this variant is likely to be tolerated. ClinVar contains an entry for this variant (Variation ID: 1059185). This variant has not been reported in the literature in individuals affected with APOB-related conditions. This variant is present in population databases (rs775670671, gnomAD 0.01%). This sequence change replaces serine, which is neutral and polar, with threonine, which is neutral and polar, at codon 4409 of the APOB protein (p.Ser4409Thr).

NM_000384.3(APOB):c.13226G>C (p.Ser4409Thr)

Gene: APOB (apolipoprotein B; minus strand). Cytogenetic location: 2p24.1.
Variant type: single nucleotide variant.
Coding change: c.13226G>C on transcript NM_000384.3 (MANE Select); coding-DNA position 13226, G replaced by C.
Protein change: p.Ser4409Thr; replaces serine 4409 with threonine.
Molecular consequence: missense variant.
Genome position (GRCh38, 1-based): chr2:21,002,196, C>G on the plus strand (G>C on the coding strand, the complement: APOB is on the minus strand). VCF-style: chr2-21002196-C-G. GRCh37 (hg19) VCF-style: chr2-21225068-C-G.
Other names: short protein forms S4409T.
Identifiers: ClinVar variation 1059185 (VCV001059185.9), dbSNP rs775670671, ClinGen allele CA052203.